The following is an entry in ClinVar:

ClinVar aggregate classification (germline): Uncertain significance (1 of 4 stars; one submission).

Submission:

Women's Health and Genetics/Laboratory Corporation of America, LabCorp
Classification: Uncertain significance. Last evaluated: 2024-10-01. Review status: criteria provided, single submitter. Criteria: LabCorp Variant Classification Summary - May 2015. Collection method: clinical testing. Allele origin: germline.
Comment: Variant summary: TRIM8 c.1462C>T (p.Pro488Ser) results in a non-conservative amino acid change in the encoded protein sequence. Four of four in-silico tools predict a damaging effect of the variant on protein function. The variant allele was found at a frequency of 4e-06 in 250818 control chromosomes (gnomAD). The available data on variant occurrences in the general population are insufficient to allow any conclusion about variant significance. To our knowledge, no occurrence of c.1462C>T in individuals affected with Focal Segmental Glomerulosclerosis And Neurodevelopmental Syndrome and no experimental evidence demonstrating its impact on protein function have been reported. No submitters have cited clinical-significance assessments for this variant to ClinVar. Based on the evidence outlined above, the variant was classified as uncertain significance.

NM_030912.3(TRIM8):c.1462C>T (p.Pro488Ser)

Gene: TRIM8 (tripartite motif containing 8; plus strand). Cytogenetic location: 10q24.32.
Variant type: single nucleotide variant.
Coding change: c.1462C>T on transcript NM_030912.3 (MANE Select); coding-DNA position 1462, C replaced by T.
Protein change: p.Pro488Ser; replaces proline 488 with serine.
Molecular consequence: missense variant. On other transcripts: non-coding transcript variant (1).
Genome position (GRCh38, 1-based): chr10:102,657,160, C>T. VCF-style: chr10-102657160-C-T. GRCh37 (hg19) VCF-style: chr10-104416917-C-T.
Other names: c.1366C>T, p.Pro456Ser (NM_001345950.1); short protein forms P456S, P488S.
Identifiers: ClinVar variation 3385017 (VCV003385017.1).